The following is an entry in ClinVar:

ClinVar aggregate classification (germline): Conflicting classifications of pathogenicity. Review status: criteria provided, conflicting classifications (1 of 4 stars). 11 submissions from 11 submitters: Likely pathogenic (2); Uncertain significance (7). 2 of the submissions do not count toward it. Last evaluated 2026-05-27.

Conditions:
TTPA-related disorder. Also called: TTPA-related condition.
Familial isolated deficiency of vitamin E (AVED). Also called: ATAXIA, FRIEDREICH-LIKE, WITH SELECTIVE VITAMIN E DEFICIENCY; Ataxia with isolated vitamin E deficiency. Identifiers: Orphanet 96, MedGen C1848533, MONDO:0010188, OMIM 277460.
ATAXIA, FRIEDREICH-LIKE, WITH ISOLATED VITAMIN E DEFICIENCY. Identifiers: MedGen C4016662.

Allele frequency attached by ClinVar (database versions not stated): gnomAD exomes 0.00006 and 0.00008; TOPMed 0.00007; ExAC 0.00010; gnomAD 0.00010 and 0.00011.
gnomAD v4.1: 130 of 1,612,170 alleles (0.0081%); highest among the groups gnomAD compares: Non-Finnish European, 0.0096%; no homozygotes.

Submissions (11):

Myriad Genetics, Inc.
Classification: Uncertain significance for Familial isolated deficiency of vitamin E. Last evaluated: 2026-05-27. Review status: criteria provided, single submitter. Criteria: Myriad Autosomal Dominant, Autosomal Recessive and X-Linked Classification Criteria (2023). Collection method: clinical testing. Allele origin: unknown.
Comment: NM_000370.3(TTPA):c.575G>A(R192H) is a missense variant classified as a variant of uncertain significance in the context of ataxia with vitamin E deficiency. R192H has been observed in cases with relevant disease (PMID: 8602747, 37982115). Relevant functional assessments of this variant are available in the literature (PMID: 27307040, 21110980, 15065857, 18458085). R192H has been observed in referenced population frequency databases. In summary, there is insufficient evidence to classify NM_000370.3(TTPA):c.575G>A(R192H) as pathogenic or benign. Please note: this variant was assessed in the context of healthy population screening.

Natera, Inc.
Classification: Likely pathogenic for Ataxia with isolated vitamin E deficiency. Last evaluated: 2026-01-15. Review status: criteria provided, single submitter. Criteria: Natera Variant Classification Schema (03/2026). Collection method: clinical testing. Allele origin: germline.
Comment: The c.575G>A variant in TTPA is a missense variant predicted to cause substitution of arginine to histidine at amino acid 192. This variant is rare in the general population with a frequency below the threshold expected for the associated phenotype(s). This variant has been observed in one or more individuals affected with the associated recessive disease, as either homozygous or compound heterozygous with a second variant (PMID: 8602747, 28976722, 37982115). Additionally, this variant has been observed to segregate in affected family members (PMID: 9463307). Computational prediction algorithms indicate this variant is likely to affect gene or protein function. Given the available evidence, this variant is classified as Likely Pathogenic.

Genomic Research Center, Shahid Beheshti University of Medical Sciences
Classification: Uncertain significance for Familial isolated deficiency of vitamin E. Last evaluated: 2025-05-03. Review status: criteria provided, single submitter. Criteria: ACMG Guidelines, 2015. Collection method: clinical testing. Allele origin: unknown. Inheritance: Autosomal recessive inheritance. Affected: yes.

Labcorp Genetics (formerly Invitae), Labcorp
Classification: Uncertain significance. Last evaluated: 2024-11-11. Review status: criteria provided, single submitter. Criteria: Invitae Variant Classification Sherloc (09022015). Collection method: clinical testing. Allele origin: germline.
Comment: This sequence change replaces arginine, which is basic and polar, with histidine, which is basic and polar, at codon 192 of the TTPA protein (p.Arg192His). This variant is present in population databases (rs121917850, gnomAD 0.01%). This missense change has been observed in individual(s) with ataxia with isolated vitamin E deficiency (PMID: 9463307). In at least one individual the data is consistent with being in trans (on the opposite chromosome) from a pathogenic variant. It has also been observed to segregate with disease in related individuals. ClinVar contains an entry for this variant (Variation ID: 9140). Invitae Evidence Modeling of protein sequence and biophysical properties (such as structural, functional, and spatial information, amino acid conservation, physicochemical variation, residue mobility, and thermodynamic stability) indicates that this missense variant is not expected to disrupt TTPA protein function with a negative predictive value of 80%. Experimental studies are conflicting or provide insufficient evidence to determine the effect of this variant on TTPA function (PMID: 15065857, 18458085, 21110980). In summary, the available evidence is currently insufficient to determine the role of this variant in disease. Therefore, it has been classified as a Variant of Uncertain Significance.

Blueprint Genetics
Classification: Uncertain significance. Last evaluated: 2024-08-15. Review status: criteria provided, single submitter. Criteria: ACMG Guidelines, 2015. Collection method: clinical testing. Allele origin: germline.

Fulgent Genetics
Classification: Likely pathogenic for Familial isolated deficiency of vitamin E. Last evaluated: 2024-06-06. Review status: criteria provided, single submitter. Criteria: ACMG Guidelines, 2015. Collection method: clinical testing. Allele origin: germline.

PreventionGenetics, part of Exact Sciences
Classification: Uncertain significance for TTPA-related condition. Last evaluated: 2023-02-28. Review status: criteria provided, single submitter. Criteria: ACMG Guidelines, 2015. Collection method: clinical testing. Allele origin: germline.
Comment: The TTPA c.575G>A variant is predicted to result in the amino acid substitution p.Arg192His. This variant was reported in the compound heterozygous state in an individual with ataxia with vitamin E deficiency (Hentati et al. 1996. PubMed ID: 8602747). This variant is reported in 0.010% of alleles in individuals of European (Non-Finnish) descent in gnomAD. Although we suspect that this variant may be pathogenic, at this time, the clinical significance of this variant is uncertain due to the absence of conclusive functional and genetic evidence.

Women's Health and Genetics/Laboratory Corporation of America, LabCorp
Classification: Uncertain significance. Last evaluated: 2023-02-28. Review status: criteria provided, single submitter. Criteria: LabCorp Variant Classification Summary - May 2015. Collection method: clinical testing. Allele origin: germline.
Comment: Variant summary: TTPA c.575G>A (p.Arg192His) results in a non-conservative amino acid change located in the CRAL-TRIO lipid binding domain (IPR001251) of the encoded protein sequence. Three of five in-silico tools predict a damaging effect of the variant on protein function. The variant allele was found at a frequency of 5.6e-05 in 250298 control chromosomes (gnomAD). This frequency is not higher than the estimated maximum expected for a pathogenic variant in TTPA causing Ataxia with Vitamin E Deficiency (0.002), allowing no conclusion about variant significance. c.575G>A has been reported in the literature in three siblings affected with a milder phenotype of Ataxia with Vitamin E Deficiency, who carried a pathogenic variant in trans (Hentati_1996, Cavalier_1998). These data indicate that the variant may be associated with disease. Publications reporting experimental evidence evaluating an impact on protein function showed no apparent effect of the variant on in vitro transfer activity (Morley_2004, Morley_2008, Zhang_2011), and no change in intracellular localization (Chung_2016). Inferred from the crystal structure, the Arg192 amino acid side-chain participates in the formation of a positively charged cleft required for phosphatidylinositol phosphates (PIPs) binding, and a different missense (R59W) affecting a residue also involved in the formation of this pocket, was demonstrated to result in loss of PIPs binding ability, and was not able to stimulate alpha-tocopherol secretion in hepatoma cells, although it didn't affect in vitro transfer activity (Kono_2013). Three submitters have provided clinical-significance assessments for this variant to ClinVar after 2014, and classified it as uncertain significance (n=2) or likely pathogenic (n=1). Based on the evidence outlined above, the variant was classified as VUS-possibly pathogenic.

Mayo Clinic Laboratories, Mayo Clinic
Classification: Uncertain significance. Last evaluated: 2021-10-14. Review status: criteria provided, single submitter. Criteria: ACMG Guidelines, 2015. Collection method: clinical testing. Allele origin: germline.

OMIM
Classification: Pathogenic for ATAXIA, FRIEDREICH-LIKE, WITH ISOLATED VITAMIN E DEFICIENCY. Last evaluated: 1996-03-01. Review status: no assertion criteria provided. Collection method: literature only. Allele origin: germline. Not counted in ClinVar's aggregate classification.

GeneReviews
No classification provided. Condition: Familial isolated deficiency of vitamin E. Review status: no classification provided. Collection method: literature only. Allele origin: unknown. Not counted in ClinVar's aggregate classification.

Literature cited by the submitters: PubMed 15065857 (cited by 3 submitters); PubMed 18458085 (cited by 3 submitters); PubMed 21110980 (cited by 3 submitters); PubMed 27307040 (cited by Myriad Genetics, Inc. and Women's Health and Genetics/Laboratory Corporation of America, LabCorp); PubMed 37982115 (cited by Myriad Genetics, Inc. and Natera, Inc.); PubMed 8602747 (cited by 4 submitters); PubMed 28976722 (cited by Natera, Inc.); PubMed 9463307 (cited by 3 submitters); PubMed 23599266 (cited by Women's Health and Genetics/Laboratory Corporation of America, LabCorp); PubMed 25262571 (cited by Women's Health and Genetics/Laboratory Corporation of America, LabCorp); PubMed 20301419 (cited by GeneReviews); NCBI Bookshelf NBK1241 (cited by GeneReviews).

NM_000370.3(TTPA):c.575G>A (p.Arg192His)

Gene: TTPA (alpha tocopherol transfer protein; minus strand). Cytogenetic location: 8q12.3.
Variant type: single nucleotide variant.
Coding change: c.575G>A on transcript NM_000370.3 (MANE Select); coding-DNA position 575, G replaced by A.
Protein change: p.Arg192His; replaces arginine 192 with histidine.
Molecular consequence: missense variant.
Genome position (GRCh38, 1-based): chr8:63,064,294, C>T on the plus strand (G>A on the coding strand, the complement: TTPA is on the minus strand). VCF-style: chr8-63064294-C-T. GRCh37 (hg19) VCF-style: chr8-63976853-C-T.
Other names: short protein forms R192H.
Identifiers: ClinVar variation 9140 (VCV000009140.22), dbSNP rs121917850, ClinGen allele CA120138.